The following is an entry in ClinVar:

ClinVar aggregate classification (germline): Uncertain significance (1 of 4 stars; one submission).

Submission:

Labcorp Genetics (formerly Invitae), Labcorp
Classification: Uncertain significance. Last evaluated: 2022-07-01. Review status: criteria provided, single submitter. Criteria: Invitae Variant Classification Sherloc (09022015). Collection method: clinical testing. Allele origin: germline.
Comment: This variant has not been reported in the literature in individuals affected with APRT-related conditions. This sequence change replaces alanine, which is neutral and non-polar, with threonine, which is neutral and polar, at codon 148 of the APRT protein (p.Ala148Thr). This variant is not present in population databases (gnomAD no frequency). Algorithms developed to predict the effect of missense changes on protein structure and function are either unavailable or do not agree on the potential impact of this missense change (SIFT: "Deleterious"; PolyPhen-2: "Probably Damaging"; Align-GVGD: "Class C0"). In summary, the available evidence is currently insufficient to determine the role of this variant in disease. Therefore, it has been classified as a Variant of Uncertain Significance.

NM_000485.3(APRT):c.442G>A (p.Ala148Thr)

Gene: APRT (adenine phosphoribosyltransferase; minus strand). Cytogenetic location: 16q24.3.
Variant type: single nucleotide variant.
Coding change: c.442G>A on transcript NM_000485.3 (MANE Select); coding-DNA position 442, G replaced by A.
Protein change: p.Ala148Thr; replaces alanine 148 with threonine.
Molecular consequence: missense variant. On other transcripts: intron variant (1).
Genome position (GRCh38, 1-based): chr16:88,809,799, C>T on the plus strand (G>A on the coding strand, the complement: APRT is on the minus strand). VCF-style: chr16-88809799-C-T. GRCh37 (hg19) VCF-style: chr16-88876207-C-T.
Other names: c.401-93G>A (NM_001030018.2); short protein forms A148T.
Identifiers: ClinVar variation 2012629 (VCV002012629.4), dbSNP rs1909039417, ClinGen allele CA397087177.